The following is an entry in ClinVar:

ClinVar aggregate classification (germline): Uncertain significance. Review status: criteria provided, multiple submitters, no conflicts (2 of 4 stars). 2 submissions from 2 submitters: Uncertain significance (2). Last evaluated 2025-09-17.

Conditions:
Cardiovascular phenotype. Identifiers: MedGen CN230736.
Dilated cardiomyopathy 1KK (CMD1KK). Identifiers: Orphanet 154, Orphanet 75249, MedGen C3714995, MONDO:0014100, OMIM 615248.

Allele frequency attached by ClinVar (database versions not stated): gnomAD exomes 0.00001 and below 0.00001; TOPMed below 0.00001.
gnomAD v4.1: 5 of 1,613,658 alleles (0.00031%); highest among the groups gnomAD compares: Non-Finnish European, 0.00034%; no homozygotes.

Submissions (2):

Ambry Genetics
Classification: Uncertain significance for Cardiovascular phenotype. Last evaluated: 2025-09-17. Review status: criteria provided, single submitter. Criteria: Ambry Variant Classification Scheme 2023. Collection method: clinical testing. Allele origin: germline.
Comment: The p.Q1270E variant (also known as c.3808C>G), located in coding exon 19 of the MYPN gene, results from a C to G substitution at nucleotide position 3808. The glutamine at codon 1270 is replaced by glutamic acid, an amino acid with highly similar properties. This amino acid position is not well conserved in available vertebrate species. In addition, this alteration is predicted to be tolerated by in silico analysis. Since supporting evidence is limited at this time, the clinical significance of this variant remains unclear.

Labcorp Genetics (formerly Invitae), Labcorp
Classification: Uncertain significance for Dilated cardiomyopathy 1KK. Last evaluated: 2024-10-18. Review status: criteria provided, single submitter. Criteria: Invitae Variant Classification Sherloc (09022015). Collection method: clinical testing. Allele origin: germline.
Comment: This sequence change replaces glutamine, which is neutral and polar, with glutamic acid, which is acidic and polar, at codon 1270 of the MYPN protein (p.Gln1270Glu). This variant is present in population databases (rs730880169, gnomAD 0.0009%). This variant has not been reported in the literature in individuals affected with MYPN-related conditions. ClinVar contains an entry for this variant (Variation ID: 180451). An algorithm developed to predict the effect of missense changes on protein structure and function (PolyPhen-2) suggests that this variant is likely to be tolerated. In summary, the available evidence is currently insufficient to determine the role of this variant in disease. Therefore, it has been classified as a Variant of Uncertain Significance.

NM_032578.4(MYPN):c.3808C>G (p.Gln1270Glu)

Gene: MYPN (myopalladin; plus strand). Cytogenetic location: 10q21.3.
Variant type: single nucleotide variant.
Coding change: c.3808C>G on transcript NM_032578.4 (MANE Select); coding-DNA position 3808, C replaced by G.
Protein change: p.Gln1270Glu; replaces glutamine 1270 with glutamic acid.
Molecular consequence: missense variant. On other transcripts: non-coding transcript variant (2).
Genome position (GRCh38, 1-based): chr10:68,210,300, C>G. VCF-style: chr10-68210300-C-G. GRCh37 (hg19) VCF-style: chr10-69970057-C-G.
Other names: c.2926C>G, p.Gln976Glu (NM_001256268.2); c.3808C>G, p.Gln1270Glu (NM_001256267.2); short protein forms Q1270E, Q976E.
Identifiers: ClinVar variation 180451 (VCV000180451.10), dbSNP rs730880169, ClinGen allele CA346537.
Genomic context (GRCh38, chr10:68,210,300, plus strand): 5'-GACTGCATTCCTTTGATCATAACACATTATTTGGTCCATTTTCCAGCTCAGTGGCACCAT[C>G]AGATCCCACCGCCCATGTCTGTCCGGCCCAGTGGCAGTCGCTACGGATCTCTCACCAGTA-3'
Protein context (NP_115967.2, residues 1260-1280): RLDIYAQWHH[Gln1270Glu]IPPPMSVRPS